The following is an entry in ClinVar:

ClinVar aggregate classification (germline): Uncertain significance (1 of 4 stars; one submission).

Allele frequency attached by ClinVar (database versions not stated): gnomAD 0.00001; TOPMed 0.00001.

Submission:

Labcorp Genetics (formerly Invitae), Labcorp
Classification: Uncertain significance. Last evaluated: 2021-12-02. Review status: criteria provided, single submitter. Criteria: Invitae Variant Classification Sherloc (09022015). Collection method: clinical testing. Allele origin: germline.
Comment: This sequence change replaces threonine, which is neutral and polar, with methionine, which is neutral and non-polar, at codon 95 of the SBF1 protein (p.Thr95Met). This variant is not present in population databases (gnomAD no frequency). This variant has not been reported in the literature in individuals affected with SBF1-related conditions. Algorithms developed to predict the effect of missense changes on protein structure and function (SIFT, PolyPhen-2, Align-GVGD) all suggest that this variant is likely to be tolerated. In summary, the available evidence is currently insufficient to determine the role of this variant in disease. Therefore, it has been classified as a Variant of Uncertain Significance.

NM_002972.4(SBF1):c.284C>T (p.Thr95Met)

Gene: SBF1 (SET binding factor 1; minus strand). Cytogenetic location: 22q13.33.
Variant type: single nucleotide variant.
Coding change: c.284C>T on transcript NM_002972.4 (MANE Select); coding-DNA position 284, C replaced by T.
Protein change: p.Thr95Met; replaces threonine 95 with methionine.
Molecular consequence: missense variant.
Genome position (GRCh38, 1-based): chr22:50,467,686, G>A on the plus strand (C>T on the coding strand, the complement: SBF1 is on the minus strand). VCF-style: chr22-50467686-G-A. GRCh37 (hg19) VCF-style: chr22-50906115-G-A.
Other names: c.287C>T, p.Thr96Met (NM_001365819.1); short protein forms T96M, T95M.
Identifiers: ClinVar variation 1514980 (VCV001514980.3), dbSNP rs765399551, ClinGen allele CA412223808.